The following is an entry in ClinVar:

ClinVar aggregate classification (germline): Uncertain significance. Review status: criteria provided, multiple submitters, no conflicts (2 of 4 stars). 2 submissions from 2 submitters: Uncertain significance (2). Last evaluated 2025-09-05.

Conditions:
Inborn genetic diseases. Identifiers: MedGen C0950123, MeSH D030342.

Allele frequency attached by ClinVar (database versions not stated): gnomAD exomes below 0.00001.
gnomAD v4.1: 2 of 1,614,240 alleles (0.00012%); highest among the groups gnomAD compares: African/African-American, 0.0027%; no homozygotes.

Submissions (2):

Ambry Genetics
Classification: Uncertain significance for Inborn genetic diseases. Last evaluated: 2025-09-05. Review status: criteria provided, single submitter. Criteria: Ambry Variant Classification Scheme 2023. Collection method: clinical testing. Allele origin: germline.

Labcorp Genetics (formerly Invitae), Labcorp
Classification: Uncertain significance. Last evaluated: 2022-03-04. Review status: criteria provided, single submitter. Criteria: Invitae Variant Classification Sherloc (09022015). Collection method: clinical testing. Allele origin: germline.
Comment: This sequence change replaces threonine, which is neutral and polar, with isoleucine, which is neutral and non-polar, at codon 293 of the EXTL3 protein (p.Thr293Ile). This variant is not present in population databases (gnomAD no frequency). This variant has not been reported in the literature in individuals affected with EXTL3-related conditions. Algorithms developed to predict the effect of missense changes on protein structure and function are either unavailable or do not agree on the potential impact of this missense change (SIFT: "Deleterious"; PolyPhen-2: "Possibly Damaging"; Align-GVGD: "Class C0"). In summary, the available evidence is currently insufficient to determine the role of this variant in disease. Therefore, it has been classified as a Variant of Uncertain Significance.

NM_001440.4(EXTL3):c.878C>T (p.Thr293Ile)

Gene: EXTL3 (exostosin like glycosyltransferase 3; plus strand). Cytogenetic location: 8p21.1.
Variant type: single nucleotide variant.
Coding change: c.878C>T on transcript NM_001440.4 (MANE Select); coding-DNA position 878, C replaced by T.
Protein change: p.Thr293Ile; replaces threonine 293 with isoleucine.
Molecular consequence: missense variant.
Genome position (GRCh38, 1-based): chr8:28,716,937, C>T. VCF-style: chr8-28716937-C-T. GRCh37 (hg19) VCF-style: chr8-28574454-C-T.
Other names: c.878C>T (NM_001440.2); short protein forms T293I.
Identifiers: ClinVar variation 2106842 (VCV002106842.5), dbSNP rs2130737864, ClinGen allele CA370857681.